The following is an entry in ClinVar:

NM_000890.5(KCNJ5):c.-277G>A

Gene: KCNJ5 (potassium inwardly rectifying channel subfamily J member 5; plus strand). Cytogenetic location: 11q24.3.
Variant type: single nucleotide variant.
Coding change: c.-277G>A on transcript NM_000890.5 (MANE Select); 277 bases upstream of the start codon, G replaced by A.
Molecular consequence: 5 prime UTR variant.
Genome position (GRCh38, 1-based): chr11:128,891,455, G>A. VCF-style: chr11-128891455-G-A. GRCh37 (hg19) VCF-style: chr11-128761350-G-A.
Other names: c.-366G>A (NM_001354169.2).
Identifiers: ClinVar variation 879672 (VCV000879672.4), dbSNP rs549302510, ClinGen allele CA230626272.
Genomic context (GRCh38, chr11:128,891,455, plus strand): 5'-GGGACACACACACACACACACACACACACACACACACACACACACACAGAGAGAGAGAGA[G>A]AGAGAGAGAGAGAGAGAGAGATTGTTCCAGCTGCTCTCGCTAGAGAAAGGGAGTGACCCA-3'

ClinVar aggregate classification (germline): Benign (1 of 4 stars; one submission).

Conditions:
Familial hyperaldosteronism type III. Also called: FH III; Familial hyperaldosteronism type 3. Identifiers: Orphanet 251274, MedGen C3838758, MONDO:0013359, OMIM 613677.

Allele frequency attached by ClinVar (database versions not stated): 1000 Genomes Project 30x 0.00125; 1000 Genomes Project 0.00739.

Submission:

Illumina Laboratory Services, Illumina
Classification: Benign for Familial hyperaldosteronism type III. Last evaluated: 2018-01-13. Review status: criteria provided, single submitter. Criteria: ICSL Variant Classification Criteria 13 December 2019. Collection method: clinical testing. Allele origin: germline.
Comment: This variant was observed in the ICSL laboratory as part of a predisposition screen in an ostensibly healthy population. It had not been previously curated by ICSL or reported in the Human Gene Mutation Database (HGMD: prior to June 1st, 2018), and was therefore a candidate for classification through an automated scoring system. Utilizing variant allele frequency, disease prevalence and penetrance estimates, and inheritance mode, an automated score was calculated to assess if this variant is too frequent to cause the disease. Based on the score and internal cut-off values, a variant classified as benign is not then subjected to further curation. The score for this variant resulted in a classification of benign for this disease.